The following is an entry in ClinVar:

NM_139343.2(BIN1):c.-581C>T

Gene: BIN1 (bridging integrator 1; minus strand). Cytogenetic location: 2q14.3.
Variant type: single nucleotide variant.
Coding change: c.-581C>T on transcript NM_139343.2; 581 bases upstream of the start codon, C replaced by T.
Genome position (GRCh38, 1-based): chr2:127,107,524, G>A on the plus strand (C>T on the coding strand, the complement: BIN1 is on the minus strand). VCF-style: chr2-127107524-G-A. GRCh37 (hg19) VCF-style: chr2-127865100-G-A.
Identifiers: ClinVar variation 668022 (VCV000668022.3), dbSNP rs13032148, ClinGen allele CA11082112.

ClinVar aggregate classification (germline): Benign (1 of 4 stars; one submission).

Allele frequency attached by ClinVar (database versions not stated): 1000 Genomes Project 0.31450; TOPMed 0.31273; 1000 Genomes Project 30x 0.31808; gnomAD 0.32055 and 0.31728.

Submission:

GeneDx
Classification: Benign. Last evaluated: 2018-06-19. Review status: criteria provided, single submitter. Criteria: GeneDx Variant Classification (06012015). Collection method: clinical testing. Allele origin: germline. Affected: yes.
Comment: This variant is considered likely benign or benign based on one or more of the following criteria: it is a conservative change, it occurs at a poorly conserved position in the protein, it is predicted to be benign by multiple in silico algorithms, and/or has population frequency not consistent with disease.